The following is an entry in ClinVar:

NM_005450.6(NOG):c.103C>T (p.Pro35Ser)

Gene: NOG (noggin; plus strand). Cytogenetic location: 17q22.
Variant type: single nucleotide variant.
Coding change: c.103C>T on transcript NM_005450.6 (MANE Select); coding-DNA position 103, C replaced by T.
Protein change: p.Pro35Ser; replaces proline 35 with serine.
Molecular consequence: missense variant.
Genome position (GRCh38, 1-based): chr17:56,594,326, C>T. VCF-style: chr17-56594326-C-T. GRCh37 (hg19) VCF-style: chr17-54671687-C-T.
Other names: short protein forms P35S.
Identifiers: ClinVar variation 6703 (VCV000006703.5), dbSNP rs28937580, ClinGen allele CA118436.

ClinVar aggregate classification (germline): Pathogenic. Review status: criteria provided, multiple submitters, no conflicts (2 of 4 stars). 5 submissions from 3 submitters: Pathogenic (2). 3 of the submissions do not count toward it. Last evaluated 2022-12-12.

Conditions:
NOG-related disorder. Also called: NOG-related disorders; NOG-related condition.
Proximal symphalangism 1A. Also called: CUSHING SYMPHALANGISM; HEREDITARY ABSENCE OF THE PROXIMAL INTERPHALANGEAL JOINTS. Identifiers: Orphanet 3250, MedGen C3714899, MONDO:0020733, OMIM 185800.
Brachydactyly type B2 (BDB2). Identifiers: Orphanet 140908, MedGen C1969652, MONDO:0012658, OMIM 611377.
Stapes ankylosis with broad thumbs and toes. Also called: ANKYLOSIS OF STAPES, HYPEROPIA, BROAD THUMBS, BROAD FIRST TOES, AND SYNDACTYLY; STAPES ANKYLOSIS SYNDROME WITHOUT SYMPHALANGISM; TEUNISSEN-CREMERS SYNDROME. Identifiers: Orphanet 140917, MedGen C1866656, MONDO:0008484, OMIM 184460.

Submissions (5):

Blueprint Genetics
Classification: Pathogenic for NOG-related disorders. Last evaluated: 2022-12-12. Review status: criteria provided, single submitter. Criteria: ACMG Guidelines, 2015. Collection method: clinical testing. Allele origin: germline. Affected: yes. Observed: 2 variant alleles.

Labcorp Genetics (formerly Invitae), Labcorp
Classification: Pathogenic. Last evaluated: 2022-11-14. Review status: criteria provided, single submitter. Criteria: Invitae Variant Classification Sherloc (09022015). Collection method: clinical testing. Allele origin: germline.
Comment: This missense change has been observed in individuals with clinical features of NOG-related symphalangism spectrum disorder (PMID: 11857750, 17668388, 18440889). This variant is not present in population databases (gnomAD no frequency). This variant disrupts the p.Pro35 amino acid residue in NOG. Other variant(s) that disrupt this residue have been determined to be pathogenic (PMID: 10080184, 11545688). This suggests that this residue is clinically significant, and that variants that disrupt this residue are likely to be disease-causing. Experimental studies are conflicting or provide insufficient evidence to determine the effect of this variant on NOG function (PMID: 17668388). Algorithms developed to predict the effect of missense changes on protein structure and function (SIFT, PolyPhen-2, Align-GVGD) all suggest that this variant is likely to be disruptive. ClinVar contains an entry for this variant (Variation ID: 6703). This sequence change replaces proline, which is neutral and non-polar, with serine, which is neutral and polar, at codon 35 of the NOG protein (p.Pro35Ser). For these reasons, this variant has been classified as Pathogenic.

OMIM
Classification: Pathogenic for SYMPHALANGISM, PROXIMAL, 1A. Last evaluated: 2008-07-01. Review status: no assertion criteria provided. Collection method: literature only. Allele origin: germline. Not counted in ClinVar's aggregate classification.

OMIM
Classification: Pathogenic for BRACHYDACTYLY, TYPE B2. Last evaluated: 2008-07-01. Review status: no assertion criteria provided. Collection method: literature only. Allele origin: germline. Not counted in ClinVar's aggregate classification.

OMIM
Classification: Pathogenic for STAPES ANKYLOSIS WITH BROAD THUMBS AND TOES. Last evaluated: 2008-07-01. Review status: no assertion criteria provided. Collection method: literature only. Allele origin: germline. Not counted in ClinVar's aggregate classification.

Literature cited by the submitters: PubMed 11857750 (cited by Labcorp Genetics (formerly Invitae), Labcorp and OMIM); PubMed 17668388 (cited by Labcorp Genetics (formerly Invitae), Labcorp and OMIM); PubMed 18440889 (cited by Labcorp Genetics (formerly Invitae), Labcorp and OMIM); PubMed 10080184 (cited by Labcorp Genetics (formerly Invitae), Labcorp); PubMed 11545688 (cited by Labcorp Genetics (formerly Invitae), Labcorp); PubMed 11160400 (cited by OMIM); PubMed 9851982 (cited by OMIM).